The following is an entry in ClinVar:

ClinVar aggregate classification (germline): Pathogenic (1 of 4 stars; one submission).

Conditions:
Glycogen storage disease, type II (IOPD). Also called: Glycogen storage disease type 2; Acid maltase deficiency disease; Aglucosidase alfa; Deficiency of alpha-glucosidase; Deficiency of lysosomal alpha-glucosidase; Glucosidase acid-1,4-alpha deficiency. Identifiers: Orphanet 365, MedGen C0017921, MONDO:0009290, OMIM 232300.

Submission:

Labcorp Genetics (formerly Invitae), Labcorp
Classification: Pathogenic for Glycogen storage disease, type II. Last evaluated: 2023-03-22. Review status: criteria provided, single submitter. Criteria: Invitae Variant Classification Sherloc (09022015). Collection method: clinical testing. Allele origin: germline.
Comment: For these reasons, this variant has been classified as Pathogenic. This variant has not been reported in the literature in individuals affected with GAA-related conditions. This variant is not present in population databases (gnomAD no frequency). This sequence change creates a premature translational stop signal (p.Gly473Serfs*3) in the GAA gene. It is expected to result in an absent or disrupted protein product. Loss-of-function variants in GAA are known to be pathogenic (PMID: 18425781, 22252923).

Literature cited by the submitters: PubMed 18425781; PubMed 22252923.

NM_000152.5(GAA):c.1417_1420del (p.Gly473fs)

Gene: GAA (alpha glucosidase; plus strand). Cytogenetic location: 17q25.3.
Variant type: Deletion.
Coding change: c.1417_1420del on transcript NM_000152.5 (MANE Select); coding-DNA positions 1417 to 1420, 4 bases deleted (GGCC; older notation c.1417_1420delGGCC).
Protein change: p.Gly473fs; shifts the reading frame from glycine 473.
Molecular consequence: frameshift variant.
Genome position (GRCh38, 1-based): chr17:80,110,035-80,110,038, GGCC deleted; deleting any 4 consecutive bases within chr17:80,110,033-80,110,038 gives the same sequence; the c. name uses the placement nearest the transcript's 3' end. VCF-style (leftmost placement, unchanged base first): chr17-80110032-ACCGG-A. GRCh37 (hg19) VCF-style: chr17-78083831-ACCGG-A.
Other names: c.1417_1420del, p.Gly473fs (NM_001079803.3, NM_001079804.3, NM_001406741.1 and 1 more transcripts); short protein forms G473fs.
Identifiers: ClinVar variation 2846092 (VCV002846092.3), dbSNP rs2510370699, ClinGen allele CA2739268475.
Genomic context (GRCh38, chr17:80,110,032, plus strand): 5'-GCCGGGAGCTACAGGCCCTACGACGAGGGTCTGCGGAGGGGGGTTTTCATCACCAACGAG[ACCGG>A]CCAGCCGCTGATTGGGAAGGTAGGGCGAGGGTCCAGGGGACGGGGGTTAGAAAGCAGAGG-3'